The following is an entry in ClinVar:

NM_006393.3(NEBL):c.1889T>G (p.Ile630Ser)

Gene: NEBL (nebulette; minus strand). Cytogenetic location: 10p12.31.
Variant type: single nucleotide variant.
Coding change: c.1889T>G on transcript NM_006393.3 (MANE Select); coding-DNA position 1889, T replaced by G.
Protein change: p.Ile630Ser; replaces isoleucine 630 with serine.
Molecular consequence: missense variant. On other transcripts: intron variant (9).
Genome position (GRCh38, 1-based): chr10:20,823,281, A>C on the plus strand (T>G on the coding strand, the complement: NEBL is on the minus strand). VCF-style: chr10-20823281-A-C. GRCh37 (hg19) VCF-style: chr10-21112210-A-C.
Other names: c.250-10341T>G (NM_001377326.1, NM_001377327.1, NM_001377328.1); c.358-10341T>G (NM_213569.2, NM_001173484.2, NM_001377322.1); c.301-10341T>G (NM_001377324.1); c.292-10341T>G (NM_001377325.1); c.310-10341T>G (NM_001377323.1); short protein forms I630S.
Identifiers: ClinVar variation 4844728 (VCV004844728.1).

ClinVar aggregate classification (germline): Uncertain significance (1 of 4 stars; one submission).

Submission:

Ambry Genetics
Classification: Uncertain significance. Last evaluated: 2026-02-13. Review status: criteria provided, single submitter. Criteria: Ambry Variant Classification Scheme 2023. Collection method: clinical testing. Allele origin: germline.
Comment: The p.I630S variant (also known as c.1889T>G), located in coding exon 19 of the NEBL gene, results from a T to G substitution at nucleotide position 1889. The isoleucine at codon 630 is replaced by serine, an amino acid with dissimilar properties. This amino acid position is conserved. In addition, this alteration is predicted to be tolerated by in silico analysis. Based on the available evidence, the clinical significance of this variant remains unclear.